The following is an entry in ClinVar:

NM_001199107.2(TBC1D24):c.1025C>G (p.Ser342Trp)

Gene: TBC1D24 (TBC1 domain family member 24; plus strand). Cytogenetic location: 16p13.3.
Variant type: single nucleotide variant.
Coding change: c.1025C>G on transcript NM_001199107.2 (MANE Select); coding-DNA position 1025, C replaced by G.
Protein change: p.Ser342Trp; replaces serine 342 with tryptophan.
Molecular consequence: missense variant.
Genome position (GRCh38, 1-based): chr16:2,498,279, C>G. VCF-style: chr16-2498279-C-G. GRCh37 (hg19) VCF-style: chr16-2548280-C-G.
Other names: c.1007C>G, p.Ser336Trp (NM_020705.3); short protein forms S336W, S342W.
Identifiers: ClinVar variation 854181 (VCV000854181.12), dbSNP rs1159971280, ClinGen allele CA394378563.

ClinVar aggregate classification (germline): Uncertain significance. Review status: criteria provided, multiple submitters, no conflicts (2 of 4 stars). 2 submissions from 2 submitters: Uncertain significance (2). Last evaluated 2026-05-01.

Conditions:
Developmental and epileptic encephalopathy, 1 (DEE1). Also called: INFANTILE SPASM SYNDROME, X-LINKED 1; Epileptic encephalopathy, early infantile, 1; X-linked infantile spasms; West's syndrome; Tonic spasms with clustering, arrest of psychomotor development and hypsarrhythmia on EEG; X-Linked Infantile Spasm Syndrome. Identifiers: MedGen C3463992, MONDO:0010632, OMIM 308350. Disease mechanism: loss of function.
Autosomal dominant nonsyndromic hearing loss 65. Also called: Deafness, autosomal dominant 65; TBC1D24-Related Autosomal Dominant Nonsyndromic Hearing Loss (DFNA). Identifiers: Orphanet 90635, MedGen C3892048, MONDO:0014470, OMIM 616044.

Allele frequency attached by ClinVar (database versions not stated): gnomAD exomes below 0.00001.

Submissions (2):

GeneDx
Classification: Uncertain significance. Last evaluated: 2026-05-01. Review status: criteria provided, single submitter. Criteria: GeneDx Variant Classification Process June 2021. Collection method: clinical testing. Allele origin: germline.
Comment: Not observed at significant frequency in large population cohorts (gnomAD); In silico analysis supports that this missense variant has a deleterious effect on protein structure/function; Has not been previously published as pathogenic or benign to our knowledge

Labcorp Genetics (formerly Invitae), Labcorp
Classification: Uncertain significance for Developmental and epileptic encephalopathy, 1; Autosomal dominant nonsyndromic hearing loss 65. Last evaluated: 2023-01-28. Review status: criteria provided, single submitter. Criteria: Invitae Variant Classification Sherloc (09022015). Collection method: clinical testing. Allele origin: germline.
Comment: In summary, the available evidence is currently insufficient to determine the role of this variant in disease. Therefore, it has been classified as a Variant of Uncertain Significance. Advanced modeling of protein sequence and biophysical properties (such as structural, functional, and spatial information, amino acid conservation, physicochemical variation, residue mobility, and thermodynamic stability) performed at Invitae indicates that this missense variant is expected to disrupt TBC1D24 protein function. ClinVar contains an entry for this variant (Variation ID: 854181). This variant has not been reported in the literature in individuals affected with TBC1D24-related conditions. This variant is present in population databases (no rsID available, gnomAD 0.0009%). This sequence change replaces serine, which is neutral and polar, with tryptophan, which is neutral and slightly polar, at codon 342 of the TBC1D24 protein (p.Ser342Trp).